The following is an entry in ClinVar:

ClinVar aggregate classification (germline): Uncertain significance. Review status: criteria provided, multiple submitters, no conflicts (2 of 4 stars). 2 submissions from 2 submitters: Uncertain significance (2). Last evaluated 2023-03-06.

Conditions:
Hereditary cancer-predisposing syndrome. Also called: Hereditary neoplastic syndrome; Neoplastic Syndromes, Hereditary; Tumor predisposition; Hereditary Cancer Syndrome. Identifiers: Orphanet 140162, MedGen C0027672, MeSH D009386, MONDO:0015356.

Submissions (2):

Ambry Genetics
Classification: Uncertain significance for Hereditary cancer-predisposing syndrome. Last evaluated: 2023-03-06. Review status: criteria provided, single submitter. Criteria: Ambry Variant Classification Scheme 2023. Collection method: clinical testing. Allele origin: germline.
Comment: The p.C217Y variant (also known as c.650G>A), located in coding exon 3 of the XRCC2 gene, results from a G to A substitution at nucleotide position 650. The cysteine at codon 217 is replaced by tyrosine, an amino acid with highly dissimilar properties. This amino acid position is poorly conserved in available vertebrate species. In addition, this alteration is predicted to be tolerated by in silico analysis. Since supporting evidence is limited at this time, the clinical significance of this alteration remains unclear.

GeneDx
Classification: Uncertain significance. Last evaluated: 2016-01-29. Review status: criteria provided, single submitter. Criteria: GeneDx Variant Classification (06012015). Collection method: clinical testing. Allele origin: germline. Affected: yes.
Comment: This variant is denoted XRCC2 c.650G>A at the cDNA level, p.Cys217Tyr (C217Y) at the protein level, and results in the change of a Cysteine to a Tyrosine (TGT>TAT). This variant has not, to our knowledge, been published in the literature as pathogenic or benign. XRCC2 Cys217Tyr was not observed in approximately 6,500 individuals of European and African American ancestry in the NHLBI Exome Sequencing Project, suggesting it is not a common benign variant in these populations. Since Cysteine and Tyrosine differ in polarity, charge, size or other properties, this is considered a non-conservative amino acid substitution. XRCC2 Cys217Tyr occurs at a position that is not conserved and is located in the ATPase domain (Kim 2011). In silico analyses predict that this variant is unlikely to alter protein structure or function. Based on currently available evidence, it is unclear whether XRCC2 Cys217Tyr is a pathogenic or benign variant. We consider it to be a variant of uncertain significance.

NM_005431.2(XRCC2):c.650G>A (p.Cys217Tyr)

Gene: XRCC2 (X-ray repair cross complementing 2; minus strand). Cytogenetic location: 7q36.1.
Variant type: single nucleotide variant.
Coding change: c.650G>A on transcript NM_005431.2 (MANE Select); coding-DNA position 650, G replaced by A.
Protein change: p.Cys217Tyr; replaces cysteine 217 with tyrosine.
Molecular consequence: missense variant.
Genome position (GRCh38, 1-based): chr7:152,648,835, C>T on the plus strand (G>A on the coding strand, the complement: XRCC2 is on the minus strand). VCF-style: chr7-152648835-C-T. GRCh37 (hg19) VCF-style: chr7-152345920-C-T.
Other names: short protein forms C217Y.
Identifiers: ClinVar variation 246355 (VCV000246355.5), dbSNP rs879254219, ClinGen allele CA10584276.